The following is an entry in ClinVar:

NM_001267550.2(TTN):c.30223+1G>A

Gene: TTN (titin; minus strand). Cytogenetic location: 2q31.2.
Variant type: single nucleotide variant.
Coding change: c.30223+1G>A on transcript NM_001267550.2 (MANE Select); the canonical splice donor site of the intron after coding-DNA position 30223, G replaced by A.
Molecular consequence: splice donor variant. On other transcripts: intron variant (3).
Genome position (GRCh38, 1-based): chr2:178,704,146, C>T on the plus strand (G>A on the coding strand, the complement: TTN is on the minus strand). VCF-style: chr2-178704146-C-T. GRCh37 (hg19) VCF-style: chr2-179568873-C-T.
Other names: c.13282+33936G>A (NM_003319.4); c.13858+33936G>A (NM_133437.4); c.13657+33936G>A (NM_133432.3); c.26491+1G>A (NM_133378.4); c.29272+1G>A (NM_001256850.1).
Identifiers: ClinVar variation 598718 (VCV000598718.11), dbSNP rs556408709, ClinGen allele CA1999225.

ClinVar aggregate classification (germline): Conflicting classifications of pathogenicity. Review status: criteria provided, conflicting classifications (1 of 4 stars). 3 submissions from 3 submitters: Likely pathogenic (1); Uncertain significance (1). 1 of the submissions does not count toward it. Last evaluated 2025-12-24.

Conditions:
TTN-related disorder. Also called: TTN-related condition; TTN-related disease; TTN-related disorders.
Dilated cardiomyopathy 1G (CMD1G). Identifiers: Orphanet 154, MedGen C1858763, MONDO:0011400, OMIM 604145.
Autosomal recessive limb-girdle muscular dystrophy type 2J (LGMDR10). Also called: Limb-girdle muscular dystrophy, type 2J; MUSCULAR DYSTROPHY, LIMB-GIRDLE, AUTOSOMAL RECESSIVE 10. Identifiers: Orphanet 140922, MedGen C1837342, MONDO:0012127, OMIM 608807.

Allele frequency attached by ClinVar (database versions not stated): ExAC 0.00001; gnomAD 0.00001 and 0.00002; gnomAD exomes 0.00001; TOPMed 0.00002; 1000 Genomes Project 0.00020; 1000 Genomes Project 30x 0.00031.
gnomAD v4.1: 4 of 1,613,500 alleles (0.00025%); highest among the groups gnomAD compares: Admixed American, 0.005%; no homozygotes.

Submissions (3):

Labcorp Genetics (formerly Invitae), Labcorp
Classification: Likely pathogenic for Dilated cardiomyopathy 1G; Autosomal recessive limb-girdle muscular dystrophy type 2J. Last evaluated: 2025-12-24. Review status: criteria provided, single submitter. Criteria: Invitae Variant Classification Sherloc (09022015). Collection method: clinical testing. Allele origin: germline.
Comment: This sequence change affects a donor splice site in intron 106 of the TTN gene. It is expected to disrupt RNA splicing and likely results in a truncated or disrupted TTN protein. This variant is present in population databases (rs556408709, gnomAD no frequency). This variant has not been reported in the literature in individuals affected with TTN-related conditions. ClinVar contains an entry for this variant (Variation ID: 598718). Algorithms developed to predict the effect of sequence changes on RNA splicing suggest that this variant may disrupt the consensus splice site. This variant is located in the I band of TTN (PMID: 25589632). Truncating variants in this region have been reported in individuals affected with autosomal recessive centronuclear myopathy (PMID: 23975875, internal data). Truncating variants in this region have also been identified in individuals affected with autosomal dominant dilated cardiomyopathy and/or cardio-related conditions (PMID: 27869827, 32964742, internal data). In summary, the currently available evidence indicates that the variant is pathogenic, but additional data are needed to prove that conclusively. Therefore, this variant has been classified as Likely Pathogenic.

Eurofins Ntd Llc (ga)
Classification: Uncertain significance. Last evaluated: 2018-09-14. Review status: criteria provided, single submitter. Criteria: EGL ClinVar v180209 classification definitions. Collection method: clinical testing. Allele origin: germline. Observed: 1 variant allele, 1 heterozygote.

PreventionGenetics, part of Exact Sciences
Classification: Uncertain significance for TTN-related condition. Last evaluated: 2024-05-28. Review status: no assertion criteria provided. Collection method: clinical testing. Allele origin: germline. Not counted in ClinVar's aggregate classification.
Comment: The TTN c.30223+1G>A variant is predicted to disrupt the GT donor site and interfere with normal splicing. To our knowledge, this variant has not been reported in the literature. This variant is reported in 0.0029% of alleles in individuals of Latino descent in gnomAD. This variant is predicted to result in an in-frame deletion of an exon (c.29963_30223) that is located in the I-band region in which truncating TTN variants have been found less frequently in dilated cardiomyopathy patients compared with those in the A-band region (Herman et al. 2012. PubMed ID: 22335739). RNAseq studies from heart tissue indicate this affected exon is not constantly included in TTN mRNA transcripts (PSI of 73%-90%); however, this analysis in muscle tissue was not performed (Roberts et al. 2015. PMID: 25589632). Of note, a splice variant predicted to alter splicing of this exon has been reported in the compound heterozygous state in an individual with congenital myopathy, while the heterozygous carrier parents were unaffected (c.29963-1G>C, Jang et al. 2019. PubMed ID: 31332964). In summary, although we suspect that the c.30223+1G>A variant may be pathogenic, at this time, the clinical significance of this variant is uncertain due to the absence of conclusive functional and genetic evidence.

Literature cited by the submitters: PubMed 25589632 (cited by Labcorp Genetics (formerly Invitae), Labcorp); PubMed 23975875 (cited by Labcorp Genetics (formerly Invitae), Labcorp); PubMed 27869827 (cited by Labcorp Genetics (formerly Invitae), Labcorp); PubMed 32964742 (cited by Labcorp Genetics (formerly Invitae), Labcorp).